The following is an entry in ClinVar:

ClinVar aggregate classification (germline): Benign/Likely benign. Review status: criteria provided, multiple submitters, no conflicts (2 of 4 stars). 6 submissions from 6 submitters: Benign (1); Likely benign (4). 1 of the submissions does not count toward it. Last evaluated 2025-10-21.

Conditions:
Hereditary cancer-predisposing syndrome. Also called: Neoplastic Syndromes, Hereditary; Hereditary Cancer Syndrome; Tumor predisposition; Hereditary neoplastic syndrome. Identifiers: Orphanet 140162, MedGen C0027672, MeSH D009386, MONDO:0015356.
Ataxia-telangiectasia syndrome (AT). Also called: LOUIS-BAR SYNDROME; Cerebello-oculocutaneous telangiectasia; Immunodeficiency with ataxia telangiectasia; Ataxia-telangiectasia, complementation group D; AT, COMPLEMENTATION GROUP C; Ataxia-telangiectasia, complementation group E. Identifiers: Orphanet 100, MedGen C0004135, MONDO:0008840, OMIM 208900.
Familial cancer of breast. Also called: Hereditary breast cancer; BREAST CANCER, FAMILIAL; hereditary breast carcinoma. Identifiers: Orphanet 227535, MedGen C0346153, MONDO:0016419, OMIM 114480. Disease mechanism: loss of function.
Malignant tumor of breast. Also called: Malignant breast neoplasm; Cancer breast. Identifiers: MedGen C0006142, MONDO:0007254. Disease mechanism: loss of function.

Submissions (6):

Labcorp Genetics (formerly Invitae), Labcorp
Classification: Likely benign for Ataxia-telangiectasia syndrome. Last evaluated: 2025-10-21. Review status: criteria provided, single submitter. Criteria: Invitae Variant Classification Sherloc (09022015). Collection method: clinical testing. Allele origin: germline.

Myriad Genetics, Inc.
Classification: Benign for Familial cancer of breast. Last evaluated: 2024-06-13. Review status: criteria provided, single submitter. Criteria: Myriad Autosomal Dominant, Autosomal Recessive and X-Linked Classification Criteria (2023). Collection method: clinical testing. Allele origin: unknown.
Comment: This variant is considered benign. This variant is a silent/synonymous amino acid change and it is not expected to impact splicing.

Color Diagnostics, LLC DBA Color Health
Classification: Likely benign for Hereditary cancer-predisposing syndrome. Last evaluated: 2024-01-02. Review status: criteria provided, single submitter. Criteria: ACMG Guidelines, 2015. Collection method: clinical testing. Allele origin: germline.

Women's Health and Genetics/Laboratory Corporation of America, LabCorp
Classification: Likely benign. Last evaluated: 2021-03-31. Review status: criteria provided, single submitter. Criteria: LabCorp Variant Classification Summary - May 2015. Collection method: clinical testing. Allele origin: germline.

Ambry Genetics
Classification: Likely benign for Hereditary cancer-predisposing syndrome. Last evaluated: 2019-05-31. Review status: criteria provided, single submitter. Criteria: Ambry Variant Classification Scheme 2023. Collection method: clinical testing. Allele origin: germline.

Department of Pathology and Laboratory Medicine, Sinai Health System
Classification: Uncertain significance for Malignant tumor of breast. Review status: no assertion criteria provided. Collection method: clinical testing. Allele origin: unknown. Affected: yes. Study: The Canadian Open Genetics Repository (COGR). Not counted in ClinVar's aggregate classification.
Comment: The ATM p.Leu2388= variant was not identified in the literature nor was it identified in the dbSNP and LOVD 3.0 databases. The variant was identified in ClinVar (classified as likely benign by Invitae). The variant was not identified in the following control databases: the Exome Aggregation Consortium (August 8th 2016), or the Genome Aggregation Database (Feb 27, 2017). The p.Leu2388= variant is not expected to have clinical significance because it does not result in a change of amino acid and it occurs at a non-conserved nucleotide out of the splicing consensus sequence. However, 1 of 4 in silico or computational prediction software programs (SpliceSiteFinder, MaxEntScan, NNSPLICE, GeneSplicer) predict the loss of a cryptic splice site; this is not very predictive of pathogenicity. In summary, based on the above information the clinical significance of this variant cannot be determined with certainty at this time. This variant is classified as a variant of uncertain significance.

NM_000051.4(ATM):c.7164C>A (p.Leu2388=)

Genes: ATM (ATM serine/threonine kinase; plus strand), C11orf65 (chromosome 11 open reading frame 65; minus strand). Cytogenetic location: 11q22.3.
Variant type: single nucleotide variant.
Coding change: c.7164C>A on transcript NM_000051.4 (MANE Select); coding-DNA position 7164, C replaced by A.
Protein change: p.Leu2388=; no amino-acid change (leucine 2388 retained).
Molecular consequence: synonymous variant. On other transcripts: intron variant (2).
Genome position (GRCh38, 1-based): chr11:108,329,095, C>A. VCF-style: chr11-108329095-C-A. GRCh37 (hg19) VCF-style: chr11-108199822-C-A.
Other names: c.7164C>A, p.Leu2388= (NM_001351834.2); c.641-20024G>T (NM_001330368.2); c.*38+6125G>T (NM_001351110.2).
Identifiers: ClinVar variation 453661 (VCV000453661.54), dbSNP rs1239532344, ClinGen allele CA476676699.